The following is an entry in ClinVar:

ClinVar aggregate classification (germline): Uncertain significance (1 of 4 stars; one submission).

Conditions:
Evans syndrome, immunodeficiency, and premature immunosenescence associated with tripeptidyl-peptidase II deficiency. Identifiers: MedGen CN231723. Disease mechanism: loss of function.

Submission:

Labcorp Genetics (formerly Invitae), Labcorp
Classification: Uncertain significance for Evans syndrome, immunodeficiency, and premature immunosenescence associated with tripeptidyl-peptidase II deficiency. Last evaluated: 2022-05-16. Review status: criteria provided, single submitter. Criteria: Invitae Variant Classification Sherloc (09022015). Collection method: clinical testing. Allele origin: germline.
Comment: In summary, the available evidence is currently insufficient to determine the role of this variant in disease. Therefore, it has been classified as a Variant of Uncertain Significance. Algorithms developed to predict the effect of sequence changes on RNA splicing suggest that this variant may create or strengthen a splice site. Algorithms developed to predict the effect of missense changes on protein structure and function (SIFT, PolyPhen-2, Align-GVGD) all suggest that this variant is likely to be tolerated. This variant has not been reported in the literature in individuals affected with TPP2-related conditions. This variant is not present in population databases (gnomAD no frequency). This sequence change replaces proline, which is neutral and non-polar, with serine, which is neutral and polar, at codon 1104 of the TPP2 protein (p.Pro1104Ser).

NM_001330588.2(TPP2):c.3349C>T (p.Pro1117Ser)

Gene: TPP2 (tripeptidyl peptidase 2; plus strand). Cytogenetic location: 13q33.1.
Variant type: single nucleotide variant.
Coding change: c.3349C>T on transcript NM_001330588.2 (MANE Select); coding-DNA position 3349, C replaced by T.
Protein change: p.Pro1117Ser; replaces proline 1117 with serine.
Molecular consequence: missense variant. On other transcripts: non-coding transcript variant (1).
Genome position (GRCh38, 1-based): chr13:102,664,903, C>T. VCF-style: chr13-102664903-C-T. GRCh37 (hg19) VCF-style: chr13-103317253-C-T.
Other names: c.3310C>T, p.Pro1104Ser (NM_001367947.1, NM_003291.4); short protein forms P1117S, P1104S.
Identifiers: ClinVar variation 1995223 (VCV001995223.4), dbSNP rs1884490224, ClinGen allele CA388508434.
Genomic context (GRCh38, chr13:102,664,903, plus strand): 5'-ATTTCTCATATAGATCAAACAGCCCTAGCAGTTTATATTGCAATGAAGACTGATCCCAGG[C>T]CTGATGCAGCTACTATAAAAAAGTACCTAACCAGTAAATAATCTTTCTTGCATCTCATTT-3'
Protein context (NP_001317517.1, residues 1107-1127): VYIAMKTDPR[Pro1117Ser]DAATIKNDMD